The following is an entry in ClinVar:

NM_182931.3(KMT2E):c.4309A>G (p.Thr1437Ala)

Gene: KMT2E (lysine methyltransferase 2E (inactive); plus strand). Cytogenetic location: 7q22.3.
Variant type: single nucleotide variant.
Coding change: c.4309A>G on transcript NM_182931.3 (MANE Select); coding-DNA position 4309, A replaced by G.
Protein change: p.Thr1437Ala; replaces threonine 1437 with alanine.
Molecular consequence: missense variant.
Genome position (GRCh38, 1-based): chr7:105,112,065, A>G. VCF-style: chr7-105112065-A-G. GRCh37 (hg19) VCF-style: chr7-104752512-A-G.
Other names: c.4183A>G, p.Thr1395Ala (NM_001410908.1); c.4309A>G, p.Thr1437Ala (NM_018682.4); short protein forms T1395A, T1437A.
Identifiers: ClinVar variation 2637709 (VCV002637709.1), dbSNP rs376931505, ClinGen allele CA164023755.

ClinVar aggregate classification (germline): Uncertain significance (1 of 4 stars; one submission).

Allele frequency attached by ClinVar (database versions not stated): gnomAD exomes below 0.00001; gnomAD 0.00001; ESP Exome Variant Server 0.00008.

Submission:

Women's Health and Genetics/Laboratory Corporation of America, LabCorp
Classification: Uncertain significance. Last evaluated: 2023-10-12. Review status: criteria provided, single submitter. Criteria: LabCorp Variant Classification Summary - May 2015. Collection method: clinical testing. Allele origin: germline.
Comment: Variant summary: KMT2E c.4309A>G (p.Thr1437Ala) results in a non-conservative amino acid change in the encoded protein sequence. Four of five in-silico tools predict a benign effect of the variant on protein function. The variant was absent in 251378 control chromosomes. The available data on variant occurrences in the general population are insufficient to allow any conclusion about variant significance. To our knowledge, no occurrence of c.4309A>G in individuals affected with O'Donnell-Luria-Rodan Syndrome and no experimental evidence demonstrating its impact on protein function have been reported. No submitters have cited clinical-significance assessments for this variant to ClinVar after 2014. Based on the evidence outlined above, the variant was classified as uncertain significance.